The following is an entry in ClinVar:

ClinVar aggregate classification (germline): Uncertain significance. Review status: criteria provided, multiple submitters, no conflicts (2 of 4 stars). 2 submissions from 2 submitters: Uncertain significance (2). Last evaluated 2024-02-17.

Conditions:
Infantile spasms. Also called: Infantile spasm. Identifiers: MedGen C3887898, HP:0012469.

Allele frequency attached by ClinVar (database versions not stated): TOPMed 0.00003; gnomAD 0.00006.
gnomAD v4.1: 13 of 1,613,550 alleles (0.00081%); highest among the groups gnomAD compares: East Asian, 0.025%; no homozygotes.

Submissions (2):

Labcorp Genetics (formerly Invitae), Labcorp
Classification: Uncertain significance for Infantile spasms. Last evaluated: 2024-02-17. Review status: criteria provided, single submitter. Criteria: Invitae Variant Classification Sherloc (09022015). Collection method: clinical testing. Allele origin: germline.
Comment: This sequence change replaces arginine, which is basic and polar, with leucine, which is neutral and non-polar, at codon 38 of the PIK3AP1 protein (p.Arg38Leu). This variant is present in population databases (rs770855063, gnomAD 0.05%), and has an allele count higher than expected for a pathogenic variant. This variant has not been reported in the literature in individuals affected with PIK3AP1-related conditions. ClinVar contains an entry for this variant (Variation ID: 474913). An algorithm developed to predict the effect of missense changes on protein structure and function (PolyPhen-2) suggests that this variant is likely to be tolerated. In summary, the available evidence is currently insufficient to determine the role of this variant in disease. Therefore, it has been classified as a Variant of Uncertain Significance.

Ambry Genetics
Classification: Uncertain significance. Last evaluated: 2023-12-12. Review status: criteria provided, single submitter. Criteria: Ambry Variant Classification Scheme 2023. Collection method: clinical testing. Allele origin: germline.

NM_152309.3(PIK3AP1):c.113G>T (p.Arg38Leu)

Gene: PIK3AP1 (phosphoinositide-3-kinase adaptor protein 1; minus strand). Cytogenetic location: 10q24.1.
Variant type: single nucleotide variant.
Coding change: c.113G>T on transcript NM_152309.3 (MANE Select); coding-DNA position 113, G replaced by T.
Protein change: p.Arg38Leu; replaces arginine 38 with leucine.
Molecular consequence: missense variant.
Genome position (GRCh38, 1-based): chr10:96,709,884, C>A on the plus strand (G>T on the coding strand, the complement: PIK3AP1 is on the minus strand). VCF-style: chr10-96709884-C-A. GRCh37 (hg19) VCF-style: chr10-98469641-C-A.
Other names: short protein forms R38L.
Identifiers: ClinVar variation 474913 (VCV000474913.9), dbSNP rs770855063, ClinGen allele CA5626608.